The following is an entry in ClinVar:

NC_000015.10:g.(?_66780987)_(67066370_?)del

Genes: SMAD6 (SMAD family member 6; plus strand), SMAD3 (SMAD family member 3; plus strand). Cytogenetic location: 15q22.31-22.33.
Variant type: Deletion.
Identifiers: ClinVar variation 831553 (VCV000831553.1).

ClinVar aggregate classification (germline): Pathogenic (1 of 4 stars; one submission).

Conditions:
Familial thoracic aortic aneurysm and aortic dissection (TAAD). Also called: Thoracic aortic aneurysms and dissections. Identifiers: Orphanet 91387, MedGen C4707243, MONDO:0019625.

Submission:

Labcorp Genetics (formerly Invitae), Labcorp
Classification: Pathogenic for Familial thoracic aortic aneurysm and aortic dissection. Last evaluated: 2019-06-25. Review status: criteria provided, single submitter. Criteria: Invitae Variant Classification Sherloc (09022015). Collection method: clinical testing. Allele origin: germline.
Comment: This variant is a gross deletion of the genomic region encompassing exon 1 of the SMAD3 gene, which includes the initiator codon. The 5' end of this event is unknown as it extends beyond the assayed region for this gene and therefore may encompass additional genes. The 3' boundary is likely confined to intron 1 of the SMAD3 gene. This is expected to result in an absent or disrupted protein product. This variant has not been reported in the literature in individuals with SMAD3-related disease. Loss-of-function variants in SMAD3 are known to be pathogenic (PMID: 21778426, 24804794). For these reasons, this variant has been classified as Pathogenic.